The following is an entry in ClinVar:

NM_000304.4(PMP22):c.301A>C (p.Ile101Leu)

Gene: PMP22 (peripheral myelin protein 22; minus strand). Cytogenetic location: 17p12.
Variant type: single nucleotide variant.
Coding change: c.301A>C on transcript NM_000304.4 (MANE Select); coding-DNA position 301, A replaced by C.
Protein change: p.Ile101Leu; replaces isoleucine 101 with leucine.
Molecular consequence: missense variant. On other transcripts: non-coding transcript variant (2).
Genome position (GRCh38, 1-based): chr17:15,239,489, T>G on the plus strand (A>C on the coding strand, the complement: PMP22 is on the minus strand). VCF-style: chr17-15239489-T-G. GRCh37 (hg19) VCF-style: chr17-15142806-T-G.
Other names: c.301A>C, p.Ile101Leu (NM_001281455.2, NM_001281456.2, NM_001330143.2 and 2 more transcripts); c.301A>C (NM_000304.2); short protein forms I101L.
Identifiers: ClinVar variation 656511 (VCV000656511.8), dbSNP rs1461201721, ClinGen allele CA398267428.

ClinVar aggregate classification (germline): Uncertain significance. Review status: criteria provided, multiple submitters, no conflicts (2 of 4 stars). 2 submissions from 2 submitters: Uncertain significance (2). Last evaluated 2024-06-18.

Conditions:
Charcot-Marie-Tooth disease, type I (CMT1). Also called: Charcot-Marie-Tooth, Type 1; Charcot-Marie-Tooth disease type 1. Identifiers: Orphanet 65753, MedGen C0751036, MONDO:0019011.

Allele frequency attached by ClinVar (database versions not stated): gnomAD 0.00001; gnomAD exomes 0.00001.
gnomAD v4.1: 13 of 1,614,118 alleles (0.00081%); highest among the groups gnomAD compares: Non-Finnish European, 0.001%; no homozygotes.

Submissions (2):

GeneDx
Classification: Uncertain significance. Last evaluated: 2024-06-18. Review status: criteria provided, single submitter. Criteria: GeneDx Variant Classification Process June 2021. Collection method: clinical testing. Allele origin: germline. Affected: yes.
Comment: In silico analysis indicates that this missense variant does not alter protein structure/function; Has not been previously published as pathogenic or benign to our knowledge

Labcorp Genetics (formerly Invitae), Labcorp
Classification: Uncertain significance for Charcot-Marie-Tooth disease, type I. Last evaluated: 2024-01-11. Review status: criteria provided, single submitter. Criteria: Invitae Variant Classification Sherloc (09022015). Collection method: clinical testing. Allele origin: germline.
Comment: This sequence change replaces isoleucine, which is neutral and non-polar, with leucine, which is neutral and non-polar, at codon 101 of the PMP22 protein (p.Ile101Leu). This variant is present in population databases (no rsID available, gnomAD 0.007%). This variant has not been reported in the literature in individuals affected with PMP22-related conditions. ClinVar contains an entry for this variant (Variation ID: 656511). Advanced modeling of protein sequence and biophysical properties (such as structural, functional, and spatial information, amino acid conservation, physicochemical variation, residue mobility, and thermodynamic stability) performed at Invitae indicates that this missense variant is not expected to disrupt PMP22 protein function with a negative predictive value of 95%. In summary, the available evidence is currently insufficient to determine the role of this variant in disease. Therefore, it has been classified as a Variant of Uncertain Significance.